The following is an entry in ClinVar:

NM_005591.4(MRE11):c.21-1G>A

Gene: MRE11 (MRE11 double strand break repair nuclease; minus strand). Cytogenetic location: 11q21.
Variant type: single nucleotide variant.
Coding change: c.21-1G>A on transcript NM_005591.4 (MANE Select); the canonical splice acceptor site of the intron before coding-DNA position 21, G replaced by A.
Molecular consequence: splice acceptor variant.
Genome position (GRCh38, 1-based): chr11:94,490,966, C>T on the plus strand (G>A on the coding strand, the complement: MRE11 is on the minus strand). VCF-style: chr11-94490966-C-T. GRCh37 (hg19) VCF-style: chr11-94224132-C-T.
Other names: c.21-1G>A (NM_001330347.2, NM_005590.4).
Identifiers: ClinVar variation 1800312 (VCV001800312.2), dbSNP rs1275867494, ClinGen allele CA382381187.
Genomic context (GRCh38, chr11:94,490,966, plus strand): 5'-TCCATAAATCCAAGATGAATATCTGTTGCAACTAATATTTTAAATGTGTTTTCATCATCA[C>T]TATATTAAGAAAGAAGAAACATTTCAATATATTAATAATTCATTAAAGGATATTCAAACA-3'

ClinVar aggregate classification (germline): Likely pathogenic (1 of 4 stars; one submission).

Conditions:
Hereditary cancer-predisposing syndrome. Also called: Neoplastic Syndromes, Hereditary; Tumor predisposition; Hereditary Cancer Syndrome; Hereditary neoplastic syndrome. Identifiers: Orphanet 140162, MedGen C0027672, MeSH D009386, MONDO:0015356.

Allele frequency attached by ClinVar (database versions not stated): TOPMed below 0.00001; gnomAD 0.00001.
gnomAD v4.1: 4 of 1,417,632 alleles (0.00028%); highest among the groups gnomAD compares: Non-Finnish European, 0.0004%; no homozygotes.

Submission:

Ambry Genetics
Classification: Likely pathogenic for Hereditary cancer-predisposing syndrome. Last evaluated: 2020-07-15. Review status: criteria provided, single submitter. Criteria: Ambry Variant Classification Scheme 2023. Collection method: clinical testing. Allele origin: germline.
Comment: The c.21-1G>A intronic variant results from a G to A substitution one nucleotide upstream from coding exon 2 of the MRE11A gene. This nucleotide position is highly conserved in available vertebrate species. Using the BDGP and ESEfinder splice site prediction tools, this alteration is predicted to abolish the native splice acceptor site; however, direct evidence is unavailable. Alterations that disrupt the canonical splice site are expected to cause aberrant splicing, resulting in an abnormal protein or a transcript that is subject to nonsense-mediated mRNA decay. As such, this alteration is classified as likely pathogenic.